The following is an entry in ClinVar:

ClinVar aggregate classification (germline): Benign/Likely benign. Review status: criteria provided, multiple submitters, no conflicts (2 of 4 stars). 6 submissions from 6 submitters: Benign (1); Likely benign (5). Last evaluated 2026-04-02.

Conditions:
BAP1-related disorder. Also called: BAP1-related condition.
Hereditary cancer-predisposing syndrome. Also called: Neoplastic Syndromes, Hereditary; Hereditary Cancer Syndrome; Tumor predisposition; Hereditary neoplastic syndrome. Identifiers: Orphanet 140162, MedGen C0027672, MeSH D009386, MONDO:0015356.
BAP1-related tumor predisposition syndrome (TPDS1). Also called: Tumor susceptibility linked to germline BAP1 mutations; COMMON Syndrome; BAP1 tumor predisposition syndrome; TUMOR PREDISPOSITION SYNDROME 1. Identifiers: Orphanet 289539, MedGen C3280492, MONDO:0013692, OMIM 614327.

Allele frequency attached by ClinVar (database versions not stated): gnomAD 0.00001; TOPMed 0.00002.
gnomAD v4.1: 4 of 1,613,962 alleles (0.00025%); highest among the groups gnomAD compares: Admixed American, 0.0017%; no homozygotes.

Submissions (6):

PreventionGenetics, part of Exact Sciences
Classification: Likely benign for BAP1-related condition. Last evaluated: 2026-04-02. Review status: criteria provided, single submitter. Criteria: ACMG Guidelines, 2015. Collection method: clinical testing. Allele origin: germline.
Comment: This variant is classified as likely benign based on ACMG/AMP sequence variant interpretation guidelines (Richards et al. 2015 PMID: 25741868, with internal and published modifications).

Labcorp Genetics (formerly Invitae), Labcorp
Classification: Likely benign for BAP1-related tumor predisposition syndrome. Last evaluated: 2026-01-27. Review status: criteria provided, single submitter. Criteria: Invitae Variant Classification Sherloc (09022015). Collection method: clinical testing. Allele origin: germline.

Myriad Genetics, Inc.
Classification: Benign for BAP1-related tumor predisposition syndrome. Last evaluated: 2024-07-11. Review status: criteria provided, single submitter. Criteria: Myriad Autosomal Dominant, Autosomal Recessive and X-Linked Classification Criteria (2023). Collection method: clinical testing. Allele origin: unknown.
Comment: This variant is considered benign. This variant is a silent/synonymous amino acid change and it is not expected to impact splicing.

GeneDx
Classification: Likely benign. Last evaluated: 2019-05-28. Review status: criteria provided, single submitter. Criteria: GeneDx Variant Classification Process June 2021. Collection method: clinical testing. Allele origin: germline. Affected: yes.

Ambry Genetics
Classification: Likely benign for Hereditary cancer-predisposing syndrome. Last evaluated: 2019-03-05. Review status: criteria provided, single submitter. Criteria: Ambry Variant Classification Scheme 2023. Collection method: clinical testing. Allele origin: germline.

Color Diagnostics, LLC DBA Color Health
Classification: Likely benign for Hereditary cancer-predisposing syndrome. Last evaluated: 2016-10-05. Review status: criteria provided, single submitter. Criteria: ACMG Guidelines, 2015. Collection method: clinical testing. Allele origin: germline.

NM_004656.4(BAP1):c.72C>A (p.Val24=)

Gene: BAP1 (BRCA1 associated deubiquitinase 1; minus strand). Cytogenetic location: 3p21.1.
Variant type: single nucleotide variant.
Coding change: c.72C>A on transcript NM_004656.4 (MANE Select); coding-DNA position 72, C replaced by A.
Protein change: p.Val24=; no amino-acid change (valine 24 retained).
Molecular consequence: synonymous variant.
Genome position (GRCh38, 1-based): chr3:52,409,604, G>T on the plus strand (C>A on the coding strand, the complement: BAP1 is on the minus strand). VCF-style: chr3-52409604-G-T. GRCh37 (hg19) VCF-style: chr3-52443620-G-T.
Identifiers: ClinVar variation 490886 (VCV000490886.18), dbSNP rs1264275534, ClinGen allele CA433778612.